The following is an entry in ClinVar:

ClinVar aggregate classification (germline): Uncertain significance. Review status: criteria provided, multiple submitters, no conflicts (2 of 4 stars). 9 submissions from 9 submitters: Uncertain significance (7). 2 of the submissions do not count toward it. Last evaluated 2026-01-21.

Conditions:
NEXN-related disorder. Also called: NEXN-related disorders; NEXN-related condition.
Cardiovascular phenotype. Identifiers: MedGen CN230736.
Hypertrophic cardiomyopathy 20. Identifiers: MedGen C3151267, MONDO:0013477, OMIM 613876.
Dilated cardiomyopathy 1CC (CMD1CC). Identifiers: Orphanet 154, MedGen C2751084, MONDO:0013147, OMIM 613122.

Allele frequency attached by ClinVar (database versions not stated): ExAC 0.00003; gnomAD exomes 0.00003 and 0.00008; gnomAD 0.00007 and 0.00009; TOPMed 0.00008.
gnomAD v4.1: 130 of 1,614,088 alleles (0.0081%); highest among the groups gnomAD compares: Non-Finnish European, 0.011%; no homozygotes.

Submissions (9):

Labcorp Genetics (formerly Invitae), Labcorp
Classification: Uncertain significance for Dilated cardiomyopathy 1CC; Hypertrophic cardiomyopathy 20. Last evaluated: 2026-01-21. Review status: criteria provided, single submitter. Criteria: Invitae Variant Classification Sherloc (09022015). Collection method: clinical testing. Allele origin: germline.
Comment: This sequence change replaces glutamine, which is neutral and polar, with arginine, which is basic and polar, at codon 131 of the NEXN protein (p.Gln131Arg). This variant is present in population databases (rs397517858, gnomAD 0.006%). This missense change has been observed in individual(s) with hypertrophic cardiomyopathy (PMID: 27532257). ClinVar contains an entry for this variant (Variation ID: 47907). Invitae Evidence Modeling of protein sequence and biophysical properties (such as structural, functional, and spatial information, amino acid conservation, physicochemical variation, residue mobility, and thermodynamic stability) has been performed for this missense variant. However, the output from this modeling did not meet the statistical confidence thresholds required to predict the impact of this variant on NEXN protein function. In summary, the available evidence is currently insufficient to determine the role of this variant in disease. Therefore, it has been classified as a Variant of Uncertain Significance.

PreventionGenetics, part of Exact Sciences
Classification: Uncertain significance for NEXN-related condition. Last evaluated: 2025-08-06. Review status: criteria provided, single submitter. Criteria: ACMG Guidelines, 2015. Collection method: clinical testing. Allele origin: germline.
Comment: The NEXN c.392A>G variant is predicted to result in the amino acid substitution p.Gln131Arg. This variant has been reported as a variant of uncertain significance in a cohort study of individuals with cardiomyopathy (Walsh et al. 2017. PubMed ID: 27532257). This variant is reported in 0.0054% of alleles in individuals of European (Non-Finnish) descent in gnomAD. At this time, the clinical significance of this variant is uncertain due to the absence of conclusive functional and genetic evidence.

Blueprint Genetics
Classification: Uncertain significance. Last evaluated: 2024-04-29. Review status: criteria provided, single submitter. Criteria: ACMG Guidelines, 2015. Collection method: clinical testing. Allele origin: germline.

Clinical Genetics Laboratory, Skane University Hospital Lund
Classification: Uncertain significance. Last evaluated: 2023-05-09. Review status: criteria provided, single submitter. Criteria: ACMG Guidelines, 2015. Collection method: clinical testing. Allele origin: germline. Affected: yes.

Ambry Genetics
Classification: Uncertain significance for Cardiovascular phenotype. Last evaluated: 2022-09-19. Review status: criteria provided, single submitter. Criteria: Ambry Variant Classification Scheme 2023. Collection method: clinical testing. Allele origin: germline.

Fulgent Genetics
Classification: Uncertain significance for Dilated cardiomyopathy 1CC; Hypertrophic cardiomyopathy 20. Last evaluated: 2022-02-22. Review status: criteria provided, single submitter. Criteria: ACMG Guidelines, 2015. Collection method: clinical testing. Allele origin: unknown.

Laboratory for Molecular Medicine, Mass General Brigham Personalized Medicine
Classification: Uncertain significance. Last evaluated: 2012-08-13. Review status: criteria provided, single submitter. Criteria: LMM Criteria. Collection method: clinical testing. Allele origin: germline. Observed: 1 variant allele.
Comment: The Gln131Arg variant in NEXN has not been reported in the literature nor previo usly identified by our laboratory. Computational analyses (biochemical amino ac id properties, conservation, AlignGVGD, PolyPhen2, and SIFT) suggest that the Gl n131Arg variant may impact the protein, though this information is not predictiv e enough to determine pathogenicity. A different variant at this position (Gln13 1Glu) has been identified in a family with HCM, suggesting that a change of this amino acid may not be tolerated (Wang 2010). Additional information is needed t o fully assess the clinical significance of the Gln131Arg variant.

Diagnostic Laboratory, Department of Genetics, University Medical Center Groningen
Classification: Uncertain significance. Review status: no assertion criteria provided. Collection method: clinical testing. Allele origin: germline. Affected: yes. Study: VKGL Data-share Consensus. Not counted in ClinVar's aggregate classification.

Joint Genome Diagnostic Labs from Nijmegen and Maastricht, Radboudumc and MUMC+
Classification: Uncertain significance. Review status: no assertion criteria provided. Collection method: clinical testing. Allele origin: germline. Affected: yes. Study: VKGL Data-share Consensus. Not counted in ClinVar's aggregate classification.

Literature cited by the submitters: PubMed 27532257 (cited by Labcorp Genetics (formerly Invitae), Labcorp).

NM_144573.4(NEXN):c.392A>G (p.Gln131Arg)

Genes: NEXN (nexilin F-actin binding protein; plus strand), LOC126805765 (BRD4-independent group 4 enhancer GRCh37_chr1:78383688-78384887; plus strand). Cytogenetic location: 1p31.1.
Variant type: single nucleotide variant.
Coding change: c.392A>G on transcript NM_144573.4 (MANE Select); coding-DNA position 392, A replaced by G.
Protein change: p.Gln131Arg; replaces glutamine 131 with arginine.
Molecular consequence: missense variant.
Genome position (GRCh38, 1-based): chr1:77,918,218, A>G. VCF-style: chr1-77918218-A-G. GRCh37 (hg19) VCF-style: chr1-78383903-A-G.
Other names: c.200A>G, p.Gln67Arg (NM_001172309.2); short protein forms Q131R, Q67R.
Identifiers: ClinVar variation 47907 (VCV000047907.21), dbSNP rs397517858, ClinGen allele CA142158.